The following is an entry in ClinVar:

NM_001048174.2(MUTYH):c.704+9T>C

Gene: MUTYH (mutY DNA glycosylase; minus strand). Cytogenetic location: 1p34.1.
Variant type: single nucleotide variant.
Coding change: c.704+9T>C on transcript NM_001048174.2 (MANE Select); 9 bases into the intron after coding-DNA position 704, T replaced by C.
Molecular consequence: intron variant.
Genome position (GRCh38, 1-based): chr1:45,332,382, A>G on the plus strand (T>C on the coding strand, the complement: MUTYH is on the minus strand). VCF-style: chr1-45332382-A-G. GRCh37 (hg19) VCF-style: chr1-45798054-A-G.
Other names: c.359+9T>C (NM_001350651.2, NM_001350650.2); c.428+9T>C (NM_001293192.2, NM_001293196.2); c.704+9T>C (NM_001048171.2, NM_001048173.2, NM_001293195.2); c.749+9T>C (NM_001293190.2); c.779+9T>C (NM_012222.3); c.788+9T>C (NM_001128425.2); c.707+9T>C (NM_001048172.2); c.737+9T>C (NM_001293191.2).
Identifiers: ClinVar variation 378184 (VCV000378184.14), dbSNP rs143091801, ClinGen allele CA059132.

ClinVar aggregate classification (germline): Likely benign. Review status: criteria provided, multiple submitters, no conflicts (2 of 4 stars). 4 submissions from 4 submitters: Likely benign (4). Last evaluated 2025-11-28.

Conditions:
Hereditary cancer-predisposing syndrome. Also called: Neoplastic Syndromes, Hereditary; Hereditary Cancer Syndrome; Hereditary neoplastic syndrome; Tumor predisposition. Identifiers: Orphanet 140162, MedGen C0027672, MeSH D009386, MONDO:0015356.
Familial adenomatous polyposis 2. Also called: ADENOMAS, MULTIPLE COLORECTAL, AUTOSOMAL RECESSIVE; MYH-associated polyposis; Adenomas, multiple colorectal; MUTYH Polyposis; COLORECTAL ADENOMATOUS POLYPOSIS, AUTOSOMAL RECESSIVE; FAP type 2. Identifiers: Orphanet 220460, Orphanet 247798, MedGen C3272841, MONDO:0012041, OMIM 608456.

Allele frequency attached by ClinVar (database versions not stated): gnomAD 0.00005 and 0.00004; TOPMed 0.00005; 1000 Genomes Project 30x 0.00016; gnomAD exomes below 0.00001; ExAC 0.00002.
gnomAD v4.1: 10 of 1,614,116 alleles (0.00062%); highest among the groups gnomAD compares: African/African-American, 0.013%; no homozygotes.

Submissions (4):

Labcorp Genetics (formerly Invitae), Labcorp
Classification: Likely benign for Familial adenomatous polyposis 2. Last evaluated: 2025-11-28. Review status: criteria provided, single submitter. Criteria: Invitae Variant Classification Sherloc (09022015). Collection method: clinical testing. Allele origin: germline.

Quest Diagnostics Nichols Institute San Juan Capistrano
Classification: Likely benign. Last evaluated: 2020-02-27. Review status: criteria provided, single submitter. Criteria: Quest Diagnostics criteria. Collection method: clinical testing. Allele origin: unknown.

Color Diagnostics, LLC DBA Color Health
Classification: Likely benign for Hereditary cancer-predisposing syndrome. Last evaluated: 2016-08-13. Review status: criteria provided, single submitter. Criteria: ACMG Guidelines, 2015. Collection method: clinical testing. Allele origin: germline.

GeneDx
Classification: Likely benign. Last evaluated: 2015-11-30. Review status: criteria provided, single submitter. Criteria: GeneDx Variant Classification (06012015). Collection method: clinical testing. Allele origin: germline. Affected: yes.
Comment: This variant is considered likely benign or benign based on one or more of the following criteria: it is a conservative change, it occurs at a poorly conserved position in the protein, it is predicted to be benign by multiple in silico algorithms, and/or has population frequency not consistent with disease.